The following is an entry in ClinVar:

ClinVar aggregate classification (germline): Benign. Review status: criteria provided, multiple submitters, no conflicts (2 of 4 stars). 3 submissions from 3 submitters: Benign (2). 1 of the submissions does not count toward it. Last evaluated 2025-05-06.

Conditions:
HHAT-related disorder. Also called: HHAT-related condition.

Allele frequency attached by ClinVar (database versions not stated): gnomAD 0.00009 and 0.00040; TOPMed 0.00011; 1000 Genomes Project 0.00120; gnomAD exomes 0.00132; ExAC 0.00151; 1000 Genomes Project 30x 0.00156.
gnomAD v4.1: 1,128 of 1,613,586 alleles (0.07%); highest among the groups gnomAD compares: South Asian, 1%; 22 homozygotes.

Submissions (3):

Labcorp Genetics (formerly Invitae), Labcorp
Classification: Benign. Last evaluated: 2025-05-06. Review status: criteria provided, single submitter. Criteria: Invitae Variant Classification Sherloc (09022015). Collection method: clinical testing. Allele origin: germline.

Breakthrough Genomics
Classification: Benign. Review status: criteria provided, single submitter. Criteria: ACMG Guidelines, 2015. Collection method: not provided. Allele origin: germline. Inheritance: Autosomal recessive inheritance. Affected: yes.

PreventionGenetics, part of Exact Sciences
Classification: Benign for HHAT-related condition. Last evaluated: 2019-08-12. Review status: no assertion criteria provided. Collection method: clinical testing. Allele origin: germline. Not counted in ClinVar's aggregate classification.
Comment: This variant is classified as benign based on ACMG/AMP sequence variant interpretation guidelines (Richards et al. 2015 PMID: 25741868, with internal and published modifications).

NM_018194.6(HHAT):c.526C>T (p.Arg176Cys)

Gene: HHAT (hedgehog acyltransferase; plus strand). Cytogenetic location: 1q32.2.
Variant type: single nucleotide variant.
Coding change: c.526C>T on transcript NM_018194.6 (MANE Select); coding-DNA position 526, C replaced by T.
Protein change: p.Arg176Cys; replaces arginine 176 with cysteine.
Molecular consequence: missense variant. On other transcripts: intron variant (1).
Genome position (GRCh38, 1-based): chr1:210,404,521, C>T. VCF-style: chr1-210404521-C-T. GRCh37 (hg19) VCF-style: chr1-210577865-C-T.
Other names: c.526C>T, p.Arg176Cys (NM_001122834.4, NM_001170580.3); c.529C>T, p.Arg177Cys (NM_001170587.3); c.331C>T, p.Arg111Cys (NM_001170588.3); c.274-13633C>T (NM_001170564.3); short protein forms R111C, R176C, R177C.
Identifiers: ClinVar variation 728722 (VCV000728722.9), dbSNP rs567439002, ClinGen allele CA1379160.